The following is an entry in ClinVar:

ClinVar aggregate classification (germline): Uncertain significance (1 of 4 stars; one submission).

Conditions:
Glycogen storage disease type III (GSD3). Also called: Cori disease; FORBES DISEASE. Identifiers: Orphanet 366, MedGen C0017922, MONDO:0009291, OMIM 232400.

gnomAD v4.1: 1 of 1,610,748 alleles (0.000062%); no homozygotes.

Submission:

Labcorp Genetics (formerly Invitae), Labcorp
Classification: Uncertain significance for Glycogen storage disease type III. Last evaluated: 2019-02-25. Review status: criteria provided, single submitter. Criteria: Invitae Variant Classification Sherloc (09022015). Collection method: clinical testing. Allele origin: germline.
Comment: This sequence change replaces histidine with tyrosine at codon 1446 of the AGL protein (p.His1446Tyr). The histidine residue is highly conserved and there is a moderate physicochemical difference between histidine and tyrosine. This variant is not present in population databases (ExAC no frequency). This variant has not been reported in the literature in individuals with AGL-related conditions. Algorithms developed to predict the effect of missense changes on protein structure and function (SIFT, PolyPhen-2, Align-GVGD) all suggest that this variant is likely to be disruptive, but these predictions have not been confirmed by published functional studies and their clinical significance is uncertain. In summary, the available evidence is currently insufficient to determine the role of this variant in disease. Therefore, it has been classified as a Variant of Uncertain Significance.

NM_000642.3(AGL):c.4336C>T (p.His1446Tyr)

Gene: AGL (amylo-alpha-1,6-glucosidase and 4-alpha-glucanotransferase; plus strand). Cytogenetic location: 1p21.2.
Variant type: single nucleotide variant.
Coding change: c.4336C>T on transcript NM_000642.3 (MANE Select); coding-DNA position 4336, C replaced by T.
Protein change: p.His1446Tyr; replaces histidine 1446 with tyrosine.
Molecular consequence: missense variant.
Genome position (GRCh38, 1-based): chr1:99,916,486, C>T. VCF-style: chr1-99916486-C-T. GRCh37 (hg19) VCF-style: chr1-100382042-C-T.
Other names: c.4336C>T, p.His1446Tyr (NM_000028.3, NM_000643.3, NM_000644.3 and 1 more transcripts); c.4288C>T, p.His1430Tyr (NM_000646.3); c.4315C>T, p.His1439Tyr (NM_001425326.1); c.4135C>T, p.His1379Tyr (NM_001425327.1); c.4132C>T, p.His1378Tyr (NM_001425328.1); c.3997C>T, p.His1333Tyr (NM_001425329.1); c.3958C>T, p.His1320Tyr (NM_001425332.1); short protein forms H1430Y, H1446Y, H1320Y, H1333Y, H1378Y, H1379Y, H1439Y.
Identifiers: ClinVar variation 864415 (VCV000864415.1), dbSNP rs1655124280, ClinGen allele CA341342353.
Genomic context (GRCh38, chr1:99,916,486, plus strand): 5'-GGAATTTATGACAATGCATTAGACAATGACAACTACAATCTTGCTAAAGGTTTCAATTAT[C>T]ACCAAGGACCTGTAAGAATTTCATTTATCTTCTGAGTTTCAGTTTAAATTATTTTTCAAG-3'
Protein context (NP_000633.2, residues 1436-1456): NYNLAKGFNY[His1446Tyr]QGPEWLWPIG